The following is an entry in ClinVar:

ClinVar aggregate classification (germline): Uncertain significance. Review status: criteria provided, multiple submitters, no conflicts (2 of 4 stars). 2 submissions from 2 submitters: Uncertain significance (2). Last evaluated 2022-01-06.

Conditions:
Dilated cardiomyopathy 1W (CMD1W). Identifiers: Orphanet 154, MedGen C1969639, MONDO:0012667, OMIM 611407.
Cardiomyopathy (CMYO). Also called: Cardiomyopathies. Identifiers: Orphanet 167848, MedGen C0878544, MONDO:0004994, HP:0001638. Inheritance: Various modes of inheritance.

gnomAD v4.1: 21 of 1,613,160 alleles (0.0013%); highest among the groups gnomAD compares: Non-Finnish European, 0.0018%; no homozygotes.

Submissions (2):

Labcorp Genetics (formerly Invitae), Labcorp
Classification: Uncertain significance for Dilated cardiomyopathy 1W. Last evaluated: 2022-01-06. Review status: criteria provided, single submitter. Criteria: Invitae Variant Classification Sherloc (09022015). Collection method: clinical testing. Allele origin: germline.
Comment: In summary, the available evidence is currently insufficient to determine the role of this variant in disease. Therefore, it has been classified as a Variant of Uncertain Significance. Algorithms developed to predict the effect of missense changes on protein structure and function are either unavailable or do not agree on the potential impact of this missense change (SIFT: "Not Available"; PolyPhen-2: "Probably Damaging"; Align-GVGD: "Not Available"). ClinVar contains an entry for this variant (Variation ID: 626753). This sequence change replaces methionine, which is neutral and non-polar, with lysine, which is basic and polar, at codon 209 of the VCL protein (p.Met209Lys). This variant is not present in population databases (gnomAD no frequency). This missense change has been observed in individual(s) with dilated cardiomyopathy (PMID: 31983221).

CHEO Genetics Diagnostic Laboratory, Children's Hospital of Eastern Ontario
Classification: Uncertain significance for Cardiomyopathy. Last evaluated: 2016-04-25. Review status: criteria provided, single submitter. Criteria: ACMG Guidelines, 2015. Collection method: clinical testing. Allele origin: germline. Study: Canadian Open Genetics Repository.

Literature cited by the submitters: PubMed 31983221 (cited by Labcorp Genetics (formerly Invitae), Labcorp).

NM_014000.3(VCL):c.626T>A (p.Met209Lys)

Gene: VCL (vinculin; plus strand). Cytogenetic location: 10q22.2.
Variant type: single nucleotide variant.
Coding change: c.626T>A on transcript NM_014000.3 (MANE Select); coding-DNA position 626, T replaced by A.
Protein change: p.Met209Lys; replaces methionine 209 with lysine.
Molecular consequence: missense variant.
Genome position (GRCh38, 1-based): chr10:74,074,746, T>A. VCF-style: chr10-74074746-T-A. GRCh37 (hg19) VCF-style: chr10-75834504-T-A.
Other names: c.626T>A, p.Met209Lys (NM_003373.4); short protein forms M209K.
Identifiers: ClinVar variation 626753 (VCV000626753.8), dbSNP rs751243981, ClinGen allele CA209694024.